The following is an entry in ClinVar:

ClinVar aggregate classification (germline): Uncertain significance. Review status: criteria provided, multiple submitters, no conflicts (2 of 4 stars). 4 submissions from 4 submitters: Uncertain significance (3). 1 of the submissions does not count toward it. Last evaluated 2023-11-22.

Conditions:
PLXNA1-related disorder. Also called: PLXNA1-related condition.

Allele frequency attached by ClinVar (database versions not stated): gnomAD exomes 0.00001 and 0.00002; ExAC 0.00003; TOPMed 0.00004; gnomAD 0.00006; ESP Exome Variant Server 0.00015; 1000 Genomes Project 30x 0.00016; 1000 Genomes Project 0.00020.
gnomAD v4.1: 27 of 1,612,728 alleles (0.0017%); highest among the groups gnomAD compares: African/African-American, 0.015%; no homozygotes.

Submissions (4):

Ambry Genetics
Classification: Uncertain significance. Last evaluated: 2023-11-22. Review status: criteria provided, single submitter. Criteria: Ambry Variant Classification Scheme 2023. Collection method: clinical testing. Allele origin: germline.

Labcorp Genetics (formerly Invitae), Labcorp
Classification: Uncertain significance. Last evaluated: 2022-01-15. Review status: criteria provided, single submitter. Criteria: Invitae Variant Classification Sherloc (09022015). Collection method: clinical testing. Allele origin: germline.
Comment: ClinVar contains an entry for this variant (Variation ID: 1325584). Algorithms developed to predict the effect of missense changes on protein structure and function (SIFT, PolyPhen-2, Align-GVGD) all suggest that this variant is likely to be tolerated. In summary, the available evidence is currently insufficient to determine the role of this variant in disease. Therefore, it has been classified as a Variant of Uncertain Significance. This variant has not been reported in the literature in individuals affected with PLXNA1-related conditions. This sequence change replaces asparagine, which is neutral and polar, with serine, which is neutral and polar, at codon 597 of the PLXNA1 protein (p.Asn597Ser). This variant is present in population databases (rs145298497, gnomAD 0.02%).

New York Genome Center
Classification: Uncertain significance. Last evaluated: 2020-04-30. Review status: criteria provided, single submitter. Criteria: NYGC Assertion Criteria 2020. Collection method: clinical testing. Allele origin: germline. Observed: 1 heterozygote. Study: CSER-NYCKidSeq.

PreventionGenetics, part of Exact Sciences
Classification: Uncertain significance for PLXNA1-related condition. Last evaluated: 2024-04-18. Review status: no assertion criteria provided. Collection method: clinical testing. Allele origin: germline. Not counted in ClinVar's aggregate classification.
Comment: The PLXNA1 c.1790A>G variant is predicted to result in the amino acid substitution p.Asn597Ser. To our knowledge, this variant has not been reported in the literature. This variant is reported in 0.016% of alleles in individuals of African descent in gnomAD. At this time, the clinical significance of this variant is uncertain due to the absence of conclusive functional and genetic evidence.

NM_032242.4(PLXNA1):c.1790A>G (p.Asn597Ser)

Gene: PLXNA1 (plexin A1; plus strand). Cytogenetic location: 3q21.3.
Variant type: single nucleotide variant.
Coding change: c.1790A>G on transcript NM_032242.4 (MANE Select); coding-DNA position 1790, A replaced by G.
Protein change: p.Asn597Ser; replaces asparagine 597 with serine.
Molecular consequence: missense variant.
Genome position (GRCh38, 1-based): chr3:127,005,136, A>G. VCF-style: chr3-127005136-A-G. GRCh37 (hg19) VCF-style: chr3-126723979-A-G.
Other names: short protein forms N597S.
Identifiers: ClinVar variation 1325584 (VCV001325584.10), dbSNP rs145298497, ClinGen allele CA2593367.